The following is an entry in ClinVar:

ClinVar aggregate classification (germline): Benign. Review status: criteria provided, multiple submitters, no conflicts (2 of 4 stars). 13 submissions from 12 submitters: Benign (11). 2 of the submissions do not count toward it. Last evaluated 2026-02-02.

Conditions:
Adams-Oliver syndrome 5 (AOS5). Identifiers: Orphanet 974, MedGen C4014970, MONDO:0014459, OMIM 616028.
Familial thoracic aortic aneurysm and aortic dissection (TAAD). Also called: Thoracic aortic aneurysms and dissections. Identifiers: Orphanet 91387, MedGen C4707243, MONDO:0019625.
Aortic valve disease 1 (AOVD1). Identifiers: MedGen C3887892, MONDO:0024523, OMIM 109730.

Allele frequency attached by ClinVar (database versions not stated): gnomAD exomes 0.00100 and 0.00253; ExAC 0.00320; ESP Exome Variant Server 0.00850; gnomAD 0.00880 and 0.00938; 1000 Genomes Project 0.00899; 1000 Genomes Project 30x 0.00984; TOPMed 0.00999.
gnomAD v4.1: 2,850 of 1,607,582 alleles (0.18%); highest among the groups gnomAD compares: African/African-American, 2.9%; 27 homozygotes.

Submissions (13):

Labcorp Genetics (formerly Invitae), Labcorp
Classification: Benign for Adams-Oliver syndrome 5. Last evaluated: 2026-02-02. Review status: criteria provided, single submitter. Criteria: Invitae Variant Classification Sherloc (09022015). Collection method: clinical testing. Allele origin: germline.

CeGaT Center for Human Genetics Tuebingen
Classification: Benign. Last evaluated: 2025-04-01. Review status: criteria provided, single submitter. Criteria: CeGaT Center For Human Genetics Tuebingen Variant Classification Criteria Version 2. Collection method: clinical testing. Allele origin: germline. Affected: yes. Observed: 1 variant allele.
Comment: NOTCH1: BP4, BP7, BS1, BS2

ARUP Laboratories, Molecular Genetics and Genomics, ARUP Laboratories
Classification: Benign. Last evaluated: 2025-03-27. Review status: criteria provided, single submitter. Criteria: ARUP Molecular Germline Variant Investigation Process 2024. Collection method: clinical testing. Allele origin: germline.

Women's Health and Genetics/Laboratory Corporation of America, LabCorp
Classification: Benign. Last evaluated: 2023-07-21. Review status: criteria provided, single submitter. Criteria: LabCorp Variant Classification Summary - May 2015. Collection method: clinical testing. Allele origin: germline.

Genome-Nilou Lab
Classification: Benign for Adams-Oliver syndrome 5. Last evaluated: 2022-03-15. Review status: criteria provided, single submitter. Criteria: ACMG Guidelines, 2015. Collection method: clinical testing. Allele origin: germline. Affected: no.

Genome-Nilou Lab
Classification: Benign for Aortic valve disease 1. Last evaluated: 2022-03-15. Review status: criteria provided, single submitter. Criteria: ACMG Guidelines, 2015. Collection method: clinical testing. Allele origin: germline. Affected: no.

Mayo Clinic Laboratories, Mayo Clinic
Classification: Benign. Last evaluated: 2017-11-29. Review status: criteria provided, single submitter. Criteria: ACMG Guidelines, 2015. Collection method: clinical testing. Allele origin: germline. Observed: 14 variant alleles.

GeneDx
Classification: Benign. Last evaluated: 2017-05-18. Review status: criteria provided, single submitter. Criteria: GeneDx Variant Classification (06012015). Collection method: clinical testing. Allele origin: germline. Affected: yes.
Comment: This variant is considered likely benign or benign based on one or more of the following criteria: it is a conservative change, it occurs at a poorly conserved position in the protein, it is predicted to be benign by multiple in silico algorithms, and/or has population frequency not consistent with disease.

CHEO Genetics Diagnostic Laboratory, Children's Hospital of Eastern Ontario
Classification: Benign for Familial thoracic aortic aneurysm and aortic dissection. Last evaluated: 2016-11-08. Review status: criteria provided, single submitter. Criteria: ACMG Guidelines, 2015. Collection method: clinical testing. Allele origin: germline. Study: Canadian Open Genetics Repository.

Ambry Genetics
Classification: Benign for Familial thoracic aortic aneurysm and aortic dissection. Last evaluated: 2015-08-11. Review status: criteria provided, single submitter. Criteria: Ambry Variant Classification Scheme 2023. Collection method: clinical testing. Allele origin: germline.

Breakthrough Genomics
Classification: Benign. Review status: criteria provided, single submitter. Criteria: ACMG Guidelines, 2015. Collection method: not provided. Allele origin: germline. Inheritance: Autosomal dominant inheritance. Affected: yes.

Clinical Genetics DNA and cytogenetics Diagnostics Lab, Erasmus MC, Erasmus Medical Center
Classification: Benign. Review status: no assertion criteria provided. Collection method: clinical testing. Allele origin: germline. Affected: yes. Study: VKGL Data-share Consensus. Not counted in ClinVar's aggregate classification.

Genome Diagnostics Laboratory, Amsterdam University Medical Center
Classification: Benign. Review status: no assertion criteria provided. Collection method: clinical testing. Allele origin: germline. Affected: yes. Study: VKGL Data-share Consensus. Not counted in ClinVar's aggregate classification.

Literature cited by the submitters: PubMed 24943832 (cited by Women's Health and Genetics/Laboratory Corporation of America, LabCorp); PubMed 16614245 (cited by Women's Health and Genetics/Laboratory Corporation of America, LabCorp); PubMed 21670202 (cited by Women's Health and Genetics/Laboratory Corporation of America, LabCorp); PubMed 22210878 (cited by Women's Health and Genetics/Laboratory Corporation of America, LabCorp); PubMed 19635999 (cited by Women's Health and Genetics/Laboratory Corporation of America, LabCorp); PubMed 26837699 (cited by Women's Health and Genetics/Laboratory Corporation of America, LabCorp); PubMed 23086750 (cited by Women's Health and Genetics/Laboratory Corporation of America, LabCorp); PubMed 19245433 (cited by Women's Health and Genetics/Laboratory Corporation of America, LabCorp); PubMed 22077063 (cited by Women's Health and Genetics/Laboratory Corporation of America, LabCorp); PubMed 15472075 (cited by Women's Health and Genetics/Laboratory Corporation of America, LabCorp); PubMed 23734977 (cited by Women's Health and Genetics/Laboratory Corporation of America, LabCorp); PubMed 22858860 (cited by Women's Health and Genetics/Laboratory Corporation of America, LabCorp).

NM_017617.5(NOTCH1):c.7515T>G (p.Pro2505=)

Gene: NOTCH1 (notch receptor 1; minus strand). Cytogenetic location: 9q34.3.
Variant type: single nucleotide variant.
Coding change: c.7515T>G on transcript NM_017617.5 (MANE Select); coding-DNA position 7515, T replaced by G.
Protein change: p.Pro2505=; no amino-acid change (proline 2505 retained).
Molecular consequence: synonymous variant.
Genome position (GRCh38, 1-based): chr9:136,496,224, A>C on the plus strand (T>G on the coding strand, the complement: NOTCH1 is on the minus strand). VCF-style: chr9-136496224-A-C. GRCh37 (hg19) VCF-style: chr9-139390676-A-C.
Other names: p.Pro2505=; c.7515T>G, p.Pro2505= (LRG_1122t1); c.7515T>G (NM_017617.4).
Identifiers: ClinVar variation 241171 (VCV000241171.36), dbSNP rs34152221, ClinGen allele CA5339662.